The following is an entry in ClinVar:

NM_000363.5(TNNI3):c.84_89del (p.Tyr29_Ala30del)

Gene: TNNI3 (troponin I3, cardiac type; minus strand). Cytogenetic location: 19q13.42.
Variant type: Deletion.
Coding change: c.84_89del on transcript NM_000363.5 (MANE Select); coding-DNA positions 84 to 89, 6 bases deleted (TTATGC; older notation c.84_89delTTATGC).
Protein change: p.Tyr29_Ala30del.
Molecular consequence: inframe deletion.
Genome position (GRCh38, 1-based): chr19:55,157,069-55,157,074, GCATAA deleted on the plus strand (TTATGC on the coding strand, the reverse complement: TNNI3 is on the minus strand); deleting any 6 consecutive bases within chr19:55,157,069-55,157,076 gives the same sequence; the c. name uses the placement nearest the transcript's 3' end. VCF-style (leftmost placement, unchanged base first): chr19-55157068-GGCATAA-G. GRCh37 (hg19) VCF-style: chr19-55668436-GGCATAA-G.
Identifiers: ClinVar variation 4293218 (VCV004293218.1).
Genomic context (GRCh38, chr19:55,157,068, plus strand): 5'-CCTCCGGCGCCTGTACTCTGCCCCCAGGAAGCCCCGTCCCACCTTGGCGTGCGGCTCCGT[GGCATAA>G]GCGCGGTAGTTGGAGGAGCGGCGTCTGATTGGGGCTGGTGCAGGGCGAGGTTCCCTAGCC-3'

ClinVar aggregate classification (germline): Uncertain significance (1 of 4 stars; one submission).

Conditions:
Hypertrophic cardiomyopathy 7. Also called: TNNI3-Related Familial Hypertrophic Cardiomyopathy; Familial hypertrophic cardiomyopathy 7; CARDIOMYOPATHY, FAMILIAL HYPERTROPHIC, 7, MODIFIER OF. Identifiers: MedGen C1860752, MONDO:0013369, OMIM 613690.

Submission:

3billion
Classification: Uncertain significance for Hypertrophic cardiomyopathy 7. Last evaluated: 2024-09-09. Review status: criteria provided, single submitter. Criteria: ACMG Guidelines, 2015. Collection method: clinical testing. Allele origin: germline. Affected: yes.
Comment: The variant is not observed in the gnomAD v4.0.0 dataset. Predicted Consequence/Location: Inframe deletion located in a nonrepeat region: predicted to change the length of the protein and disrupt normal protein function. Therefore, this variant is classified as VUS according to the recommendation of ACMG/AMP guideline.